The following is an entry in ClinVar:

ClinVar aggregate classification (germline): Uncertain significance (1 of 4 stars; one submission).

Submission:

Labcorp Genetics (formerly Invitae), Labcorp
Classification: Uncertain significance. Last evaluated: 2022-02-17. Review status: criteria provided, single submitter. Criteria: Invitae Variant Classification Sherloc (09022015). Collection method: clinical testing. Allele origin: germline.
Comment: This sequence change replaces lysine, which is basic and polar, with glutamic acid, which is acidic and polar, at codon 215 of the PLOD3 protein (p.Lys215Glu). This variant is not present in population databases (gnomAD no frequency). This variant has not been reported in the literature in individuals affected with PLOD3-related conditions. Algorithms developed to predict the effect of missense changes on protein structure and function (SIFT, PolyPhen-2, Align-GVGD) all suggest that this variant is likely to be tolerated. In summary, the available evidence is currently insufficient to determine the role of this variant in disease. Therefore, it has been classified as a Variant of Uncertain Significance.

NM_001084.5(PLOD3):c.643A>G (p.Lys215Glu)

Gene: PLOD3 (procollagen-lysine,2-oxoglutarate 5-dioxygenase 3; minus strand). Cytogenetic location: 7q22.1.
Variant type: single nucleotide variant.
Coding change: c.643A>G on transcript NM_001084.5 (MANE Select); coding-DNA position 643, A replaced by G.
Protein change: p.Lys215Glu; replaces lysine 215 with glutamic acid.
Molecular consequence: missense variant.
Genome position (GRCh38, 1-based): chr7:101,215,125, T>C on the plus strand (A>G on the coding strand, the complement: PLOD3 is on the minus strand). VCF-style: chr7-101215125-T-C. GRCh37 (hg19) VCF-style: chr7-100858406-T-C.
Other names: short protein forms K215E.
Identifiers: ClinVar variation 2098062 (VCV002098062.4), dbSNP rs2535175809, ClinGen allele CA368623845.